The following is an entry in ClinVar:

NM_172107.4(KCNQ2):c.1764-283C>T

Gene: KCNQ2 (potassium voltage-gated channel subfamily Q member 2; minus strand). Cytogenetic location: 20q13.33.
Variant type: single nucleotide variant.
Coding change: c.1764-283C>T on transcript NM_172107.4 (MANE Select); 283 bases into the intron before coding-DNA position 1764, C replaced by T.
Molecular consequence: intron variant.
Genome position (GRCh38, 1-based): chr20:63,408,819, G>A on the plus strand (C>T on the coding strand, the complement: KCNQ2 is on the minus strand). VCF-style: chr20-63408819-G-A. GRCh37 (hg19) VCF-style: chr20-62040172-G-A.
Other names: c.1680-283C>T (NM_004518.6); c.1671-283C>T (NM_172108.5); c.1710-283C>T (NM_172106.3).
Identifiers: ClinVar variation 683730 (VCV000683730.1), dbSNP rs2236198, ClinGen allele CA317424271.

ClinVar aggregate classification (germline): Benign (1 of 4 stars; one submission).

Allele frequency attached by ClinVar (database versions not stated): gnomAD 0.10684 and 0.10937; TOPMed 0.11306; 1000 Genomes Project 30x 0.17161; 1000 Genomes Project 0.17392.
gnomAD v4.1: 16,620 of 152,152 alleles (11%); highest among the groups gnomAD compares: East Asian, 46%; 1,323 homozygotes.

Submission:

GeneDx
Classification: Benign. Last evaluated: 2018-06-19. Review status: criteria provided, single submitter. Criteria: GeneDx Variant Classification (06012015). Collection method: clinical testing. Allele origin: germline. Affected: yes.
Comment: This variant is considered likely benign or benign based on one or more of the following criteria: it is a conservative change, it occurs at a poorly conserved position in the protein, it is predicted to be benign by multiple in silico algorithms, and/or has population frequency not consistent with disease.